The following is an entry in ClinVar:

ClinVar aggregate classification (germline): Uncertain significance (1 of 4 stars; one submission).

Conditions:
Multiple gastrointestinal atresias. Also called: Multiple intestinal atresia; FAMILIAL INTESTINAL POLYATRESIA SYNDROME. Identifiers: Orphanet 2300, MedGen C0220744, MONDO:0009465.

gnomAD v4.1: 1 of 1,613,806 alleles (0.000062%); highest among the groups gnomAD compares: Non-Finnish European, 0.000085%; no homozygotes.

Submission:

Labcorp Genetics (formerly Invitae), Labcorp
Classification: Uncertain significance for Multiple gastrointestinal atresias. Last evaluated: 2019-02-12. Review status: criteria provided, single submitter. Criteria: Invitae Variant Classification Sherloc (09022015). Collection method: clinical testing. Allele origin: germline.
Comment: This sequence change replaces glutamic acid with glycine at codon 177 of the TTC7A protein (p.Glu177Gly). The glutamic acid residue is moderately conserved and there is a moderate physicochemical difference between glutamic acid and glycine. In summary, the available evidence is currently insufficient to determine the role of this variant in disease. Therefore, it has been classified as a Variant of Uncertain Significance. Algorithms developed to predict the effect of missense changes on protein structure and function are either unavailable or do not agree on the potential impact of this missense change (SIFT: "Deleterious"; PolyPhen-2: "Possibly Damaging"; Align-GVGD: "Class C0"). This variant has not been reported in the literature in individuals with TTC7A-related conditions. This variant is not present in population databases (ExAC no frequency).

NM_020458.4(TTC7A):c.530A>G (p.Glu177Gly)

Genes: TTC7A (tetratricopeptide repeat domain 7A; plus strand), LOC126806211 (CDK7 strongly-dependent group 2 enhancer GRCh37_chr2:47201305-47202504; plus strand). Cytogenetic location: 2p21.
Variant type: single nucleotide variant.
Coding change: c.530A>G on transcript NM_020458.4 (MANE Select); coding-DNA position 530, A replaced by G.
Protein change: p.Glu177Gly; replaces glutamic acid 177 with glycine.
Molecular consequence: missense variant. On other transcripts: 5 prime UTR variant (1).
Genome position (GRCh38, 1-based): chr2:46,974,985, A>G. VCF-style: chr2-46974985-A-G. GRCh37 (hg19) VCF-style: chr2-47202124-A-G.
Other names: c.530A>G, p.Glu177Gly (NM_001288951.2); c.428A>G, p.Glu143Gly (NM_001288953.2); c.-375A>G (NM_001288955.2); short protein forms E177G, E143G.
Identifiers: ClinVar variation 859169 (VCV000859169.10), dbSNP rs1673729373, ClinGen allele CA346722823.